The following is an entry in ClinVar:

ClinVar aggregate classification (germline): Uncertain significance (1 of 4 stars; one submission).

Conditions:
Hereditary nonpolyposis colorectal neoplasms. Identifiers: MedGen C0009405, MeSH D003123.

Submission:

Labcorp Genetics (formerly Invitae), Labcorp
Classification: Uncertain significance for Hereditary nonpolyposis colorectal neoplasms. Last evaluated: 2022-08-23. Review status: criteria provided, single submitter. Criteria: Invitae Variant Classification Sherloc (09022015). Collection method: clinical testing. Allele origin: germline.
Comment: In summary, the available evidence is currently insufficient to determine the role of this variant in disease. Therefore, it has been classified as a Variant of Uncertain Significance. Advanced modeling of protein sequence and biophysical properties (such as structural, functional, and spatial information, amino acid conservation, physicochemical variation, residue mobility, and thermodynamic stability) performed at Invitae indicates that this missense variant is not expected to disrupt MSH6 protein function. This variant has not been reported in the literature in individuals affected with MSH6-related conditions. This variant is not present in population databases (gnomAD no frequency). This sequence change replaces tyrosine, which is neutral and polar, with asparagine, which is neutral and polar, at codon 524 of the MSH6 protein (p.Tyr524Asn).

NM_000179.3(MSH6):c.1570T>A (p.Tyr524Asn)

Gene: MSH6 (mutS homolog 6; plus strand). Cytogenetic location: 2p16.3.
Variant type: single nucleotide variant.
Coding change: c.1570T>A on transcript NM_000179.3 (MANE Select); coding-DNA position 1570, T replaced by A.
Protein change: p.Tyr524Asn; replaces tyrosine 524 with asparagine.
Molecular consequence: missense variant.
Genome position (GRCh38, 1-based): chr2:47,799,553, T>A. VCF-style: chr2-47799553-T-A. GRCh37 (hg19) VCF-style: chr2-48026692-T-A.
Other names: c.1180T>A, p.Tyr394Asn (NM_001281492.2); c.664T>A, p.Tyr222Asn (NM_001281493.2, NM_001281494.2, NM_001406811.1 and 6 more transcripts); c.1666T>A, p.Tyr556Asn (NM_001406795.1, NM_001406802.1); c.1570T>A, p.Tyr524Asn (NM_001406796.1, NM_001406798.1, NM_001406800.1 and 4 more transcripts); c.1273T>A, p.Tyr425Asn (NM_001406797.1, NM_001406801.1, NM_001406805.1 and 10 more transcripts); c.1045T>A, p.Tyr349Asn (NM_001406799.1, NM_001406806.1, NM_001406807.1); c.1492T>A, p.Tyr498Asn (NM_001406804.1); c.1576T>A, p.Tyr526Asn (NM_001406813.1); and 1 more; short protein forms Y222N, Y349N, Y394N, Y425N, Y468N, Y498N, Y524N, Y526N.
Identifiers: ClinVar variation 1717904 (VCV001717904.6), dbSNP rs887409964, ClinGen allele CA346746778.
Genomic context (GRCh38, chr2:47,799,553, plus strand): 5'-AAGTATGATAGAGTGGTGAGGAGGGAGATCTGTAGGATCATTACCAAGGGTACACAGACT[T>A]ACAGTGTGCTGGAAGGTGATCCCTCTGAGAACTACAGTAAGTATCTTCTTAGCCTCAAAG-3'
Protein context (NP_000170.1, residues 514-534): CRIITKGTQT[Tyr524Asn]SVLEGDPSEN